The following is an entry in ClinVar:

ClinVar aggregate classification (germline): Uncertain significance. Review status: criteria provided, multiple submitters, no conflicts (2 of 4 stars). 2 submissions from 2 submitters: Uncertain significance (2). Last evaluated 2024-12-16.

Conditions:
Progressive sclerosing poliodystrophy (MTDPS4A). Also called: ALPERS PROGRESSIVE INFANTILE POLIODYSTROPHY; NEURONAL DEGENERATION OF CHILDHOOD WITH LIVER DISEASE, PROGRESSIVE; Alpers Syndrome; ALPERS DIFFUSE DEGENERATION OF CEREBRAL GRAY MATTER WITH HEPATIC CIRRHOSIS; Alpers-Huttenlocher Syndrome; Mitochondrial DNA depletion syndrome 4A (Alpers type). Identifiers: Orphanet 726, MedGen C0205710, MONDO:0008758, OMIM 203700.

Submissions (2):

Dasa
Classification: Uncertain significance. Last evaluated: 2024-12-16. Review status: criteria provided, single submitter. Criteria: DASA Assertion Criteria. Collection method: clinical testing. Allele origin: germline.
Comment: NM_002693.3(POLG):c.2803A>T (p.Thr935Ser) is a missense variant that results in the substitution of threonine with serine. This variant is absent from population databases. Computational prediction algorithms are consistent with a deleterious effect. The currently available literature and clinical evidence are not sufficient to establish a definitive association between this variant and the reported condition. Therefore, this variant is classified as a variant of uncertain significance.

Labcorp Genetics (formerly Invitae), Labcorp
Classification: Uncertain significance for Progressive sclerosing poliodystrophy. Last evaluated: 2022-12-25. Review status: criteria provided, single submitter. Criteria: Invitae Variant Classification Sherloc (09022015). Collection method: clinical testing. Allele origin: germline.
Comment: This sequence change replaces threonine, which is neutral and polar, with serine, which is neutral and polar, at codon 935 of the POLG protein (p.Thr935Ser). This variant is not present in population databases (gnomAD no frequency). This variant has not been reported in the literature in individuals affected with POLG-related conditions. Advanced modeling of protein sequence and biophysical properties (such as structural, functional, and spatial information, amino acid conservation, physicochemical variation, residue mobility, and thermodynamic stability) performed at Invitae indicates that this missense variant is expected to disrupt POLG protein function. Algorithms developed to predict the effect of sequence changes on RNA splicing suggest that this variant may create or strengthen a splice site. In summary, the available evidence is currently insufficient to determine the role of this variant in disease. Therefore, it has been classified as a Variant of Uncertain Significance.

NM_002693.3(POLG):c.2803A>T (p.Thr935Ser)

Gene: POLG (DNA polymerase gamma, catalytic subunit; minus strand). Cytogenetic location: 15q26.1.
Variant type: single nucleotide variant.
Coding change: c.2803A>T on transcript NM_002693.3 (MANE Select); coding-DNA position 2803, A replaced by T.
Protein change: p.Thr935Ser; replaces threonine 935 with serine.
Molecular consequence: missense variant.
Genome position (GRCh38, 1-based): chr15:89,320,944, T>A on the plus strand (A>T on the coding strand, the complement: POLG is on the minus strand). VCF-style: chr15-89320944-T-A. GRCh37 (hg19) VCF-style: chr15-89864175-T-A.
Other names: c.2803A>T, p.Thr935Ser (NM_001126131.2); short protein forms T935S.
Identifiers: ClinVar variation 2047887 (VCV002047887.6), dbSNP rs760431841, ClinGen allele CA316713.